The following is an entry in ClinVar:

ClinVar aggregate classification (germline): Uncertain significance. Review status: criteria provided, multiple submitters, no conflicts (2 of 4 stars). 3 submissions from 3 submitters: Uncertain significance (3). Last evaluated 2025-10-03.

Conditions:
EGFR-related disorder. Also called: EGFR-related condition.
Hereditary cancer-predisposing syndrome. Also called: Hereditary neoplastic syndrome; Hereditary Cancer Syndrome; Tumor predisposition; Neoplastic Syndromes, Hereditary. Identifiers: Orphanet 140162, MedGen C0027672, MeSH D009386, MONDO:0015356.
EGFR-related lung cancer (EGFR). Identifiers: MedGen CN130014.

Allele frequency attached by ClinVar (database versions not stated): TOPMed 0.00001.

Submissions (3):

Ambry Genetics
Classification: Uncertain significance for Hereditary cancer-predisposing syndrome. Last evaluated: 2025-10-03. Review status: criteria provided, single submitter. Criteria: Ambry Variant Classification Scheme 2023. Collection method: clinical testing. Allele origin: germline.
Comment: The p.L907M variant (also known as c.2719T>A), located in coding exon 23 of the EGFR gene, results from a T to A substitution at nucleotide position 2719. The leucine at codon 907 is replaced by methionine, an amino acid with highly similar properties. This amino acid position is highly conserved in available vertebrate species. In addition, the in silico prediction for this alteration is inconclusive. Based on the available evidence, the clinical significance of this variant remains unclear.

PreventionGenetics, part of Exact Sciences
Classification: Uncertain significance for EGFR-related condition. Last evaluated: 2023-06-14. Review status: criteria provided, single submitter. Criteria: ACMG Guidelines, 2015. Collection method: clinical testing. Allele origin: germline.
Comment: The EGFR c.2719T>A variant is predicted to result in the amino acid substitution p.Leu907Met. To our knowledge, this variant has not been reported in the literature in individuals with disease or in a large population database, indicating this variant is rare. This variant was reported in a study using The Cancer Genome Atlas (TCGA) RNA-seq data of lung adenocarcinoma to develop an EGFR gene signature used to direct the preselection of patients for more effective EGFR-targeted therapy (Cheng et al. 2020. PubMed ID: 32406930). In that study, this variant was predicted to have a high EGFR score, suggesting that patients with this variant may have greater sensitivity to EGFR inhibitors. This variant is reported in ClinVar as a variant of uncertain significance. At this time, the clinical significance of this variant is uncertain due to the absence of conclusive functional and genetic evidence.

Labcorp Genetics (formerly Invitae), Labcorp
Classification: Uncertain significance for EGFR-related lung cancer. Last evaluated: 2021-12-27. Review status: criteria provided, single submitter. Criteria: Invitae Variant Classification Sherloc (09022015). Collection method: clinical testing. Allele origin: germline.
Comment: In summary, the available evidence is currently insufficient to determine the role of this variant in disease. Therefore, it has been classified as a Variant of Uncertain Significance. Algorithms developed to predict the effect of missense changes on protein structure and function are either unavailable or do not agree on the potential impact of this missense change (SIFT: "Deleterious"; PolyPhen-2: "Probably Damaging"; Align-GVGD: "Class C0"). This variant has not been reported in the literature in individuals affected with EGFR-related conditions. This variant is not present in population databases (gnomAD no frequency). This sequence change replaces leucine, which is neutral and non-polar, with methionine, which is neutral and non-polar, at codon 907 of the EGFR protein (p.Leu907Met).

NM_005228.5(EGFR):c.2719T>A (p.Leu907Met)

Gene: EGFR (epidermal growth factor receptor; plus strand). Cytogenetic location: 7p11.2.
Variant type: single nucleotide variant.
Coding change: c.2719T>A on transcript NM_005228.5 (MANE Select); coding-DNA position 2719, T replaced by A.
Protein change: p.Leu907Met; replaces leucine 907 with methionine.
Molecular consequence: missense variant.
Genome position (GRCh38, 1-based): chr7:55,198,734, T>A. VCF-style: chr7-55198734-T-A. GRCh37 (hg19) VCF-style: chr7-55266427-T-A.
Other names: c.2719T>A (NM_005228.3, NM_005228.4); c.2584T>A, p.Leu862Met (NM_001346897.2, NM_001346899.2); c.2719T>A, p.Leu907Met (NM_001346898.2); c.2560T>A, p.Leu854Met (NM_001346900.2); c.1918T>A, p.Leu640Met (NM_001346941.2); short protein forms L854M, L907M, L862M, L640M.
Identifiers: ClinVar variation 1520747 (VCV001520747.9), dbSNP rs1218871031, ClinGen allele CA367581204.
Genomic context (GRCh38, chr7:55,198,734, plus strand): 5'-ATTCATGATCCCACTGCCTTCTTTTCTTGCTTCATCCTCTCAGGGGTGACTGTTTGGGAG[T>A]TGATGACCTTTGGATCCAAGCCATATGACGGAATCCCTGCCAGCGAGATCTCCTCCATCC-3'
Protein context (NP_005219.2, residues 897-917): VWSYGVTVWE[Leu907Met]MTFGSKPYDG